The following is an entry in ClinVar:

ClinVar aggregate classification (germline): Conflicting classifications of pathogenicity. Review status: criteria provided, conflicting classifications (1 of 4 stars). 2 submissions from 2 submitters: Likely pathogenic (1); Uncertain significance (1). Last evaluated 2024-04-17.

Allele frequency attached by ClinVar (database versions not stated): TOPMed below 0.00001.
gnomAD v4.1: 4 of 1,603,884 alleles (0.00025%); highest among the groups gnomAD compares: Non-Finnish European, 0.00034%; no homozygotes.

Submissions (2):

Labcorp Genetics (formerly Invitae), Labcorp
Classification: Likely pathogenic. Last evaluated: 2024-04-17. Review status: criteria provided, single submitter. Criteria: Invitae Variant Classification Sherloc (09022015). Collection method: clinical testing. Allele origin: germline.
Comment: This sequence change affects a donor splice site in intron 16 of the RGS9 gene. It is expected to disrupt RNA splicing. Variants that disrupt the donor or acceptor splice site typically lead to a loss of protein function (PMID: 16199547), and loss-of-function variants in RGS9 are known to be pathogenic (PMID: 11262419, 14702087). This variant is present in population databases (no rsID available, gnomAD 0.0009%). This variant has not been reported in the literature in individuals affected with RGS9-related conditions. ClinVar contains an entry for this variant (Variation ID: 1930191). Algorithms developed to predict the effect of sequence changes on RNA splicing suggest that this variant may disrupt the consensus splice site. In summary, the currently available evidence indicates that the variant is pathogenic, but additional data are needed to prove that conclusively. Therefore, this variant has been classified as Likely Pathogenic.

Blueprint Genetics
Classification: Uncertain significance. Last evaluated: 2022-11-17. Review status: criteria provided, single submitter. Criteria: ACMG Guidelines, 2015. Collection method: clinical testing. Allele origin: germline.

Literature cited by the submitters: PubMed 16199547 (cited by Labcorp Genetics (formerly Invitae), Labcorp); PubMed 11262419 (cited by Labcorp Genetics (formerly Invitae), Labcorp); PubMed 14702087 (cited by Labcorp Genetics (formerly Invitae), Labcorp).

NM_003835.4(RGS9):c.1289+2C>A

Gene: RGS9 (regulator of G protein signaling 9; plus strand). Cytogenetic location: 17q24.1.
Variant type: single nucleotide variant.
Coding change: c.1289+2C>A on transcript NM_003835.4 (MANE Select); the canonical splice donor site of the intron after coding-DNA position 1289, C replaced by A.
Molecular consequence: splice donor variant.
Genome position (GRCh38, 1-based): chr17:65,208,009, C>A. VCF-style: chr17-65208009-C-A. GRCh37 (hg19) VCF-style: chr17-63204127-C-A.
Other names: c.1280+2C>A (NM_001081955.3, NM_001165933.2).
Identifiers: ClinVar variation 1930191 (VCV001930191.6), dbSNP rs1176526663, ClinGen allele CA400672039.